The following is an entry in ClinVar:

NM_004655.4(AXIN2):c.1479G>A (p.Ser493=)

Gene: AXIN2 (axin 2; minus strand). Cytogenetic location: 17q24.1.
Variant type: single nucleotide variant.
Coding change: c.1479G>A on transcript NM_004655.4 (MANE Select); coding-DNA position 1479, G replaced by A.
Protein change: p.Ser493=; no amino-acid change (serine 493 retained).
Molecular consequence: synonymous variant.
Genome position (GRCh38, 1-based): chr17:65,537,557, C>T on the plus strand (G>A on the coding strand, the complement: AXIN2 is on the minus strand). VCF-style: chr17-65537557-C-T. GRCh37 (hg19) VCF-style: chr17-63533675-C-T.
Other names: c.1479G>A, p.Ser493= (NM_001363813.1).
Identifiers: ClinVar variation 819330 (VCV000819330.14), dbSNP rs1057522399, ClinGen allele CA501691556.

ClinVar aggregate classification (germline): Benign/Likely benign. Review status: criteria provided, multiple submitters, no conflicts (2 of 4 stars). 3 submissions from 3 submitters: Benign (1); Likely benign (2). Last evaluated 2025-12-14.

Conditions:
Hereditary cancer-predisposing syndrome. Also called: Tumor predisposition; Hereditary neoplastic syndrome; Neoplastic Syndromes, Hereditary; Hereditary Cancer Syndrome. Identifiers: Orphanet 140162, MedGen C0027672, MeSH D009386, MONDO:0015356.
Oligodontia-cancer predisposition syndrome. Also called: TOOTH AGENESIS-COLORECTAL CANCER SYNDROME. Identifiers: Orphanet 300576, MedGen C1837750, MONDO:0012075, OMIM 608615. Disease mechanism: loss of function.

Allele frequency attached by ClinVar (database versions not stated): TOPMed 0.00001; gnomAD 0.00002.
gnomAD v4.1: 8 of 1,611,714 alleles (0.0005%); highest among the groups gnomAD compares: African/African-American, 0.0013%; no homozygotes.

Submissions (3):

Labcorp Genetics (formerly Invitae), Labcorp
Classification: Likely benign for Oligodontia-cancer predisposition syndrome. Last evaluated: 2025-12-14. Review status: criteria provided, single submitter. Criteria: Invitae Variant Classification Sherloc (09022015). Collection method: clinical testing. Allele origin: germline.

Myriad Genetics, Inc.
Classification: Benign for Oligodontia-cancer predisposition syndrome. Last evaluated: 2024-07-03. Review status: criteria provided, single submitter. Criteria: Myriad Autosomal Dominant, Autosomal Recessive and X-Linked Classification Criteria (2023). Collection method: clinical testing. Allele origin: unknown.
Comment: This variant is considered benign. This variant is a silent/synonymous amino acid change and it is not expected to impact splicing.

Ambry Genetics
Classification: Likely benign for Hereditary cancer-predisposing syndrome. Last evaluated: 2019-10-03. Review status: criteria provided, single submitter. Criteria: Ambry Variant Classification Scheme 2023. Collection method: clinical testing. Allele origin: germline.